The following is an entry in ClinVar:

ClinVar aggregate classification (germline): Uncertain significance. Review status: criteria provided, multiple submitters, no conflicts (2 of 4 stars). 3 submissions from 3 submitters: Uncertain significance (3). Last evaluated 2026-07-02.

Conditions:
Hereditary cancer-predisposing syndrome. Also called: Neoplastic Syndromes, Hereditary; Hereditary Cancer Syndrome; Tumor predisposition; Hereditary neoplastic syndrome. Identifiers: Orphanet 140162, MedGen C0027672, MeSH D009386, MONDO:0015356.
Familial cancer of breast. Also called: Hereditary breast cancer; BREAST CANCER, FAMILIAL; hereditary breast carcinoma. Identifiers: Orphanet 227535, MedGen C0346153, MONDO:0016419, OMIM 114480. Disease mechanism: loss of function.

gnomAD v4.1: 6 of 1,614,114 alleles (0.00037%); highest among the groups gnomAD compares: Non-Finnish European, 0.00051%; no homozygotes.

Submissions (3):

Ambry Genetics
Classification: Uncertain significance for Hereditary cancer-predisposing syndrome. Last evaluated: 2026-07-02. Review status: criteria provided, single submitter. Criteria: Ambry Variant Classification Scheme 2023. Collection method: clinical testing. Allele origin: germline.
Comment: The p.S835A variant (also known as c.2503T>G), located in coding exon 5 of the PALB2 gene, results from a T to G substitution at nucleotide position 2503. The serine at codon 835 is replaced by alanine, an amino acid with similar properties. This amino acid position is conserved. In addition, this alteration is predicted to be tolerated by in silico analysis. Based on the available evidence, the clinical significance of this variant remains unclear.

Molecular Pathology, Peter Maccallum Cancer Centre
Classification: Uncertain significance for Familial cancer of breast. Last evaluated: 2024-10-25. Review status: criteria provided, single submitter. Criteria: ACMG Guidelines, 2015. Collection method: clinical testing. Allele origin: germline. Inheritance: Autosomal dominant inheritance.

Labcorp Genetics (formerly Invitae), Labcorp
Classification: Uncertain significance for Familial cancer of breast. Last evaluated: 2023-08-24. Review status: criteria provided, single submitter. Criteria: Invitae Variant Classification Sherloc (09022015). Collection method: clinical testing. Allele origin: germline.
Comment: In summary, the available evidence is currently insufficient to determine the role of this variant in disease. Therefore, it has been classified as a Variant of Uncertain Significance. Advanced modeling of protein sequence and biophysical properties (such as structural, functional, and spatial information, amino acid conservation, physicochemical variation, residue mobility, and thermodynamic stability) has been performed at Invitae for this missense variant, however the output from this modeling did not meet the statistical confidence thresholds required to predict the impact of this variant on PALB2 protein function. ClinVar contains an entry for this variant (Variation ID: 946016). This variant has not been reported in the literature in individuals affected with PALB2-related conditions. This variant is not present in population databases (gnomAD no frequency). This sequence change replaces serine, which is neutral and polar, with alanine, which is neutral and non-polar, at codon 835 of the PALB2 protein (p.Ser835Ala).

NM_024675.4(PALB2):c.2503T>G (p.Ser835Ala)

Gene: PALB2 (partner and localizer of BRCA2; minus strand). Cytogenetic location: 16p12.2.
Variant type: single nucleotide variant.
Coding change: c.2503T>G on transcript NM_024675.4 (MANE Select); coding-DNA position 2503, T replaced by G.
Protein change: p.Ser835Ala; replaces serine 835 with alanine.
Molecular consequence: missense variant.
Genome position (GRCh38, 1-based): chr16:23,629,651, A>C on the plus strand (T>G on the coding strand, the complement: PALB2 is on the minus strand). VCF-style: chr16-23629651-A-C. GRCh37 (hg19) VCF-style: chr16-23640972-A-C.
Other names: short protein forms S835A.
Identifiers: ClinVar variation 946016 (VCV000946016.10), dbSNP rs1343435250, ClinGen allele CA395123949.